The following is an entry in ClinVar:

NM_201384.3(PLEC):c.13586G>A (p.Arg4529His)

Gene: PLEC (plectin; minus strand). Cytogenetic location: 8q24.3.
Variant type: single nucleotide variant.
Coding change: c.13586G>A on transcript NM_201384.3 (MANE Select); coding-DNA position 13586, G replaced by A.
Protein change: p.Arg4529His; replaces arginine 4529 with histidine.
Molecular consequence: missense variant.
Genome position (GRCh38, 1-based): chr8:143,916,235, C>T on the plus strand (G>A on the coding strand, the complement: PLEC is on the minus strand). VCF-style: chr8-143916235-C-T. GRCh37 (hg19) VCF-style: chr8-144990403-C-T.
Other names: c.13667G>A, p.Arg4556His (NM_000445.5); c.13544G>A, p.Arg4515His (NM_201378.4); c.13520G>A, p.Arg4507His (NM_201379.3); c.13997G>A, p.Arg4666His (NM_201380.4); c.13490G>A, p.Arg4497His (NM_201381.3); c.13586G>A, p.Arg4529His (NM_201382.4); c.13598G>A, p.Arg4533His (NM_201383.3); short protein forms R4507H, R4515H, R4529H, R4556H, R4533H, R4497H, R4666H.
Identifiers: ClinVar variation 659544 (VCV000659544.11), dbSNP rs1486410694, ClinGen allele CA372473545.

ClinVar aggregate classification (germline): Uncertain significance (1 of 4 stars; one submission).

Conditions:
Epidermolysis bullosa simplex 5C, with pyloric atresia (EBS5C). Also called: Epidermolysis bullosa simplex with pyloric atresia; PLEC-Related Epidermolysis Bullosa with Pyloric Atresia; PLEC1-Related Epidermolysis Bullosa with Pyloric Atresia. Identifiers: Orphanet 158684, MedGen C2677349, MONDO:0012807, OMIM 612138.
Epidermolysis bullosa simplex 5B, with muscular dystrophy (EBS5B). Also called: Epidermolysis bullosa simplex with muscular dystrophy; EPIDERMOLYSIS BULLOSA SIMPLEX AND LIMB-GIRDLE MUSCULAR DYSTROPHY. Identifiers: Orphanet 257, MedGen C2931072, MONDO:0009181, OMIM 226670.
Epidermolysis bullosa simplex, Ogna type (EBS5A). Also called: Pidermolysis bullosa simplex 5A, Ogna type; EPIDERMOLYSIS BULLOSA SIMPLEX 5A, OGNA TYPE. Identifiers: Orphanet 79401, MedGen C0432317, MONDO:0007555, OMIM 131950.
Epidermolysis bullosa simplex with nail dystrophy (EBS5D). Identifiers: MedGen C4225309, MONDO:0014661, OMIM 616487.
Autosomal recessive limb-girdle muscular dystrophy type 2Q (LGMDR17). Also called: MUSCULAR DYSTROPHY, LIMB-GIRDLE, AUTOSOMAL RECESSIVE 17. Identifiers: Orphanet 254361, MedGen C3150989, MONDO:0013390, OMIM 613723.

Allele frequency attached by ClinVar (database versions not stated): gnomAD 0.00002; gnomAD exomes 0.00002; TOPMed 0.00003.
gnomAD v4.1: 31 of 1,546,432 alleles (0.002%); highest among the groups gnomAD compares: Admixed American, 0.0039%; no homozygotes.

Submission:

Labcorp Genetics (formerly Invitae), Labcorp
Classification: Uncertain significance for Autosomal recessive limb-girdle muscular dystrophy type 2Q; Epidermolysis bullosa simplex, Ogna type; Epidermolysis bullosa simplex with nail dystrophy; Epidermolysis bullosa simplex 5C, with pyloric atresia; Epidermolysis bullosa simplex 5B, with muscular dystrophy. Last evaluated: 2024-05-02. Review status: criteria provided, single submitter. Criteria: Invitae Variant Classification Sherloc (09022015). Collection method: clinical testing. Allele origin: germline.
Comment: This sequence change replaces arginine, which is basic and polar, with histidine, which is basic and polar, at codon 4556 of the PLEC protein (p.Arg4556His). The frequency data for this variant in the population databases is considered unreliable, as metrics indicate poor data quality at this position in the gnomAD database. This variant has not been reported in the literature in individuals affected with PLEC-related conditions. ClinVar contains an entry for this variant (Variation ID: 659544). Experimental studies and prediction algorithms are not available or were not evaluated, and the functional significance of this variant is currently unknown. In summary, the available evidence is currently insufficient to determine the role of this variant in disease. Therefore, it has been classified as a Variant of Uncertain Significance.